The following is an entry in ClinVar:

NM_000465.4(BARD1):c.1832G>T (p.Gly611Val)

Gene: BARD1 (BRCA1 associated RING domain 1; minus strand). Cytogenetic location: 2q35.
Variant type: single nucleotide variant.
Coding change: c.1832G>T on transcript NM_000465.4 (MANE Select); coding-DNA position 1832, G replaced by T.
Protein change: p.Gly611Val; replaces glycine 611 with valine.
Molecular consequence: missense variant. On other transcripts: non-coding transcript variant (3), intron variant (1).
Genome position (GRCh38, 1-based): chr2:214,745,138, C>A on the plus strand (G>T on the coding strand, the complement: BARD1 is on the minus strand). VCF-style: chr2-214745138-C-A. GRCh37 (hg19) VCF-style: chr2-215609862-C-A.
Other names: c.1775G>T, p.Gly592Val (NM_001282543.2); c.479G>T, p.Gly160Val (NM_001282545.2); c.422G>T, p.Gly141Val (NM_001282548.2); c.365-14630G>T (NM_001282549.2); short protein forms G160V, G141V, G592V, G611V.
Identifiers: ClinVar variation 1996493 (VCV001996493.4), dbSNP rs1574737448, ClinGen allele CA350452278.

ClinVar aggregate classification (germline): Uncertain significance (1 of 4 stars; one submission).

Conditions:
Familial cancer of breast. Also called: hereditary breast carcinoma; Hereditary breast cancer; BREAST CANCER, FAMILIAL. Identifiers: Orphanet 227535, MedGen C0346153, MONDO:0016419, OMIM 114480. Disease mechanism: loss of function.

Submission:

Labcorp Genetics (formerly Invitae), Labcorp
Classification: Uncertain significance for Familial cancer of breast. Last evaluated: 2025-08-17. Review status: criteria provided, single submitter. Criteria: Invitae Variant Classification Sherloc (09022015). Collection method: clinical testing. Allele origin: germline.
Comment: This sequence change replaces glycine, which is neutral and non-polar, with valine, which is neutral and non-polar, at codon 611 of the BARD1 protein (p.Gly611Val). This variant is not present in population databases (gnomAD no frequency). This variant has not been reported in the literature in individuals affected with BARD1-related conditions. ClinVar contains an entry for this variant (Variation ID: 1996493). An algorithm developed to predict the effect of missense changes on protein structure and function (PolyPhen-2) suggests that this variant is likely to be tolerated. RNA analysis provides insufficient evidence to determine the effect of this variant on BARD1 splicing (internal data). In summary, the available evidence is currently insufficient to determine the role of this variant in disease. Therefore, it has been classified as a Variant of Uncertain Significance.